The following is an entry in ClinVar:

ClinVar aggregate classification (germline): Benign. Review status: criteria provided, multiple submitters, no conflicts (2 of 4 stars). 5 submissions from 5 submitters: Benign (4). 1 of the submissions does not count toward it. Last evaluated 2026-02-02.

Conditions:
FRAS1-related disorder. Also called: FRAS1-related condition.
Fraser syndrome 1 (FRASRS1). Also called: CRYPTOPHTHALMOS WITH OTHER MALFORMATIONS. Identifiers: Orphanet 2052, MedGen C4551480, MONDO:0054737, OMIM 219000.

Allele frequency attached by ClinVar (database versions not stated): gnomAD exomes 0.00244; ExAC 0.00299; ESP Exome Variant Server 0.00910; gnomAD 0.00921 and 0.00987; TOPMed 0.01082; 1000 Genomes Project 30x 0.01327; 1000 Genomes Project 0.01398.
gnomAD v4.1: 2,954 of 1,613,992 alleles (0.18%); highest among the groups gnomAD compares: African/African-American, 3.4%; 52 homozygotes.

Submissions (5):

Labcorp Genetics (formerly Invitae), Labcorp
Classification: Benign. Last evaluated: 2026-02-02. Review status: criteria provided, single submitter. Criteria: Invitae Variant Classification Sherloc (09022015). Collection method: clinical testing. Allele origin: germline.

Mayo Clinic Laboratories, Mayo Clinic
Classification: Benign. Last evaluated: 2023-10-10. Review status: criteria provided, single submitter. Criteria: ACMG Guidelines, 2015. Collection method: clinical testing. Allele origin: germline. Observed: 1 variant allele.
Comment: BS1, BS2, BP4, BP7

Illumina Laboratory Services, Illumina
Classification: Benign for Fraser syndrome 1. Last evaluated: 2018-01-13. Review status: criteria provided, single submitter. Criteria: ICSL Variant Classification Criteria 13 December 2019. Collection method: clinical testing. Allele origin: germline.
Comment: This variant was observed in the ICSL laboratory as part of a predisposition screen in an ostensibly healthy population. It had not been previously curated by ICSL or reported in the Human Gene Mutation Database (HGMD: prior to June 1st, 2018), and was therefore a candidate for classification through an automated scoring system. Utilizing variant allele frequency, disease prevalence and penetrance estimates, and inheritance mode, an automated score was calculated to assess if this variant is too frequent to cause the disease. Based on the score and internal cut-off values, a variant classified as benign is not then subjected to further curation. The score for this variant resulted in a classification of benign for this disease.

Breakthrough Genomics
Classification: Benign. Review status: criteria provided, single submitter. Criteria: ACMG Guidelines, 2015. Collection method: not provided. Allele origin: germline. Inheritance: Autosomal recessive inheritance. Affected: yes.

PreventionGenetics, part of Exact Sciences
Classification: Benign for FRAS1-related condition. Last evaluated: 2019-06-21. Review status: no assertion criteria provided. Collection method: clinical testing. Allele origin: germline. Not counted in ClinVar's aggregate classification.
Comment: This variant is classified as benign based on ACMG/AMP sequence variant interpretation guidelines (Richards et al. 2015 PMID: 25741868, with internal and published modifications).

NM_025074.7(FRAS1):c.10278C>T (p.Ile3426=)

Gene: FRAS1 (Fraser extracellular matrix complex subunit 1; plus strand). Cytogenetic location: 4q21.21.
Variant type: single nucleotide variant.
Coding change: c.10278C>T on transcript NM_025074.7 (MANE Select); coding-DNA position 10278, C replaced by T.
Protein change: p.Ile3426=; no amino-acid change (isoleucine 3426 retained).
Molecular consequence: synonymous variant.
Genome position (GRCh38, 1-based): chr4:78,515,902, C>T. VCF-style: chr4-78515902-C-T. GRCh37 (hg19) VCF-style: chr4-79437056-C-T.
Other names: p.Ile3426=.
Identifiers: ClinVar variation 349797 (VCV000349797.18), dbSNP rs34678339, ClinGen allele CA2978914.